The following is an entry in ClinVar:

NM_182931.3(KMT2E):c.1567C>A (p.Pro523Thr)

Gene: KMT2E (lysine methyltransferase 2E (inactive); plus strand). Cytogenetic location: 7q22.3.
Variant type: single nucleotide variant.
Coding change: c.1567C>A on transcript NM_182931.3 (MANE Select); coding-DNA position 1567, C replaced by A.
Protein change: p.Pro523Thr; replaces proline 523 with threonine.
Molecular consequence: missense variant.
Genome position (GRCh38, 1-based): chr7:105,090,217, C>A. VCF-style: chr7-105090217-C-A. GRCh37 (hg19) VCF-style: chr7-104730664-C-A.
Other names: c.1567C>A, p.Pro523Thr (NM_001410908.1, NM_018682.4); short protein forms P523T.
Identifiers: ClinVar variation 2576088 (VCV002576088.4), dbSNP rs752886091, ClinGen allele CA4424018.

ClinVar aggregate classification (germline): Uncertain significance. Review status: criteria provided, multiple submitters, no conflicts (2 of 4 stars). 2 submissions from 2 submitters: Uncertain significance (2). Last evaluated 2025-07-06.

Allele frequency attached by ClinVar (database versions not stated): TOPMed 0.00004; gnomAD 0.00001; ExAC 0.00006; gnomAD exomes 0.00007.
gnomAD v4.1: 99 of 1,606,258 alleles (0.0062%); highest among the groups gnomAD compares: Non-Finnish European, 0.0065%; no homozygotes.

Submissions (2):

Labcorp Genetics (formerly Invitae), Labcorp
Classification: Uncertain significance. Last evaluated: 2025-07-06. Review status: criteria provided, single submitter. Criteria: Invitae Variant Classification Sherloc (09022015). Collection method: clinical testing. Allele origin: germline.
Comment: This sequence change replaces proline, which is neutral and non-polar, with threonine, which is neutral and polar, at codon 523 of the KMT2E protein (p.Pro523Thr). This variant is present in population databases (rs752886091, gnomAD 0.04%). This variant has not been reported in the literature in individuals affected with KMT2E-related conditions. ClinVar contains an entry for this variant (Variation ID: 2576088). An algorithm developed to predict the effect of missense changes on protein structure and function (PolyPhen-2) suggests that this variant is likely to be disruptive. In summary, the available evidence is currently insufficient to determine the role of this variant in disease. Therefore, it has been classified as a Variant of Uncertain Significance.

Institute for Clinical Genetics, University Hospital TU Dresden, University Hospital TU Dresden
Classification: Uncertain significance. Last evaluated: 2023-02-22. Review status: criteria provided, single submitter. Criteria: ACMG Guidelines, 2015. Collection method: clinical testing. Allele origin: maternal.